The following is an entry in ClinVar:

NM_007294.4(BRCA1):c.1658del (p.His553fs)

Gene: BRCA1 (BRCA1 DNA repair associated; minus strand). Cytogenetic location: 17q21.31.
Variant type: Deletion.
Coding change: c.1658del on transcript NM_007294.4 (MANE Select); coding-DNA position 1658, one base deleted (A; older notation c.1658delA).
Protein change: p.His553fs; shifts the reading frame from histidine 553.
Molecular consequence: frameshift variant. On other transcripts: intron variant (137).
Genome position (GRCh38, 1-based): chr17:43,093,873, T deleted on the plus strand (A on the coding strand, the reverse complement: BRCA1 is on the minus strand). VCF-style (leftmost placement, unchanged base first): chr17-43093872-AT-A. GRCh37 (hg19) VCF-style: chr17-41245889-AT-A.
Other names: c.646+871del (NM_001408459.1, NM_001408458.1, NM_001408469.1 and 11 more transcripts); c.583+871del (NM_001408475.1); c.1448del, p.His483fs (NM_001407900.1, NM_001407902.1, NM_001407908.1 and 13 more transcripts); c.451+871del (NM_001408509.1, NM_001408508.1); c.574+871del (NM_001408491.1, NM_001408493.1, NM_001408490.1); c.460+1973del (NM_001408506.1, NM_001408507.1); c.709+871del (NM_001408412.1, NM_001408409.1, NM_001408414.1 and 2 more transcripts); c.577+871del (NM_001408481.1, NM_001408480.1, NM_001408492.1 and 9 more transcripts); and 40 more; short protein forms H464fs, H483fs, H505fs, H527fs, H425fs, H441fs, H465fs, H482fs.
Identifiers: ClinVar variation 3654597 (VCV003654597.2).
Genomic context (GRCh38, chr17:43,093,872, plus strand): 5'-TGATTCTATTGGGTTAGGATTTTTCTCATTCTGAATAGAATCACCTTTTGTTTTATTCTC[AT>A]GACCACTATTAGTAATATTCATCACTTGACCATTCTGCTCCGTTTGGTTAGTTCCCTGAT-3'

ClinVar aggregate classification (germline): Pathogenic (1 of 4 stars; one submission).

Conditions:
Hereditary breast ovarian cancer syndrome. Also called: BRCA1- and BRCA2-Associated Hereditary Breast and Ovarian Cancer; Breast and ovarian cancer; Hereditary breast and ovarian cancer syndrome (HBOC); Hereditary breast and ovarian cancer syndrome; Hereditary breast and/or ovarian cancer syndrome; Hereditary breast and ovarian cancer. Identifiers: Orphanet 145, MedGen C0677776, MeSH D061325, MONDO:0003582. Disease mechanism: loss of function.

Submission:

Labcorp Genetics (formerly Invitae), Labcorp
Classification: Pathogenic for Hereditary breast ovarian cancer syndrome. Last evaluated: 2024-05-26. Review status: criteria provided, single submitter. Criteria: Invitae Variant Classification Sherloc (09022015). Collection method: clinical testing. Allele origin: germline.
Comment: This sequence change creates a premature translational stop signal (p.His553Leufs*19) in the BRCA1 gene. It is expected to result in an absent or disrupted protein product. Loss-of-function variants in BRCA1 are known to be pathogenic (PMID: 20104584). This variant is not present in population databases (gnomAD no frequency). This variant has not been reported in the literature in individuals affected with BRCA1-related conditions. For these reasons, this variant has been classified as Pathogenic.

Literature cited by the submitters: PubMed 20104584.